The following is an entry in ClinVar:

ClinVar aggregate classification (germline): Pathogenic/Likely pathogenic. Review status: criteria provided, multiple submitters, no conflicts (2 of 4 stars). 7 submissions from 7 submitters: Pathogenic (5); Likely pathogenic (1). 1 of the submissions does not count toward it. Last evaluated 2024-11-20.

Conditions:
MSH6-related disorder. Also called: MSH6-related condition; MSH6-Related disorders.
Hereditary cancer-predisposing syndrome. Also called: Tumor predisposition; Hereditary neoplastic syndrome; Neoplastic Syndromes, Hereditary; Hereditary Cancer Syndrome. Identifiers: Orphanet 140162, MedGen C0027672, MeSH D009386, MONDO:0015356.
Hereditary nonpolyposis colorectal neoplasms. Identifiers: MedGen C0009405, MeSH D003123.
Lynch syndrome 5 (LYNCH5). Also called: Colorectal cancer, hereditary nonpolyposis, type 5; Hereditary non-polyposis colorectal cancer, type 5. Identifiers: Orphanet 144, MedGen C1833477, MONDO:0013710, OMIM 614350. Disease mechanism: loss of function.
Endometrial carcinoma. Also called: Endometrial carcinoma, somatic. Identifiers: MedGen C0476089, MONDO:0002447, OMIM 608089, HP:0012114.

Submissions (7):

Ambry Genetics
Classification: Pathogenic for Hereditary cancer-predisposing syndrome. Last evaluated: 2024-11-20. Review status: criteria provided, single submitter. Criteria: Ambry Variant Classification Scheme 2023. Collection method: clinical testing. Allele origin: germline.
Comment: The c.1392delT pathogenic mutation, located in coding exon 4 of the MSH6 gene, results from a deletion of one nucleotide at nucleotide position 1392, causing a translational frameshift with a predicted alternate stop codon (p.I464Mfs*17). This variant is considered to be rare based on population cohorts in the Genome Aggregation Database (gnomAD). This alteration is expected to result in loss of function by premature protein truncation or nonsense-mediated mRNA decay. As such, this alteration is interpreted as a disease-causing mutation.

Myriad Genetics, Inc.
Classification: Pathogenic for Lynch syndrome 5. Last evaluated: 2023-08-14. Review status: criteria provided, single submitter. Criteria: Myriad Autosomal Dominant, Autosomal Recessive and X-Linked Classification Criteria (2023). Collection method: clinical testing. Allele origin: unknown.
Comment: This variant is considered pathogenic. This variant creates a frameshift predicted to result in premature protein truncation.

Baylor Genetics
Classification: Likely pathogenic for Endometrial carcinoma. Last evaluated: 2023-06-29. Review status: criteria provided, single submitter. Criteria: ACMG Guidelines, 2015. Collection method: clinical testing. Allele origin: unknown.

Quest Diagnostics Nichols Institute San Juan Capistrano
Classification: Pathogenic. Last evaluated: 2023-06-06. Review status: criteria provided, single submitter. Criteria: Quest Diagnostics criteria. Collection method: clinical testing. Allele origin: unknown.
Comment: The MSH6 c.1392del (p.Ile464Metfs*17) variant alters the translational reading frame of the MSH6 mRNA and is predicted to cause the premature termination of MSH6 protein synthesis. It was detected in an internally tested family affected with Lynch syndrome associated cancers including of the colon, endometrium, ovaries, and breast. This variant has not been reported in individuals with MSH6-related conditions in the published literature. This variant has not been reported in large, multi-ethnic general populations (Genome Aggregation Database). Based on the available information, this variant is classified as pathogenic.

Labcorp Genetics (formerly Invitae), Labcorp
Classification: Pathogenic for Hereditary nonpolyposis colorectal neoplasms. Last evaluated: 2022-01-28. Review status: criteria provided, single submitter. Criteria: Invitae Variant Classification Sherloc (09022015). Collection method: clinical testing. Allele origin: germline.
Comment: This sequence change creates a premature translational stop signal (p.Ile464Metfs*17) in the MSH6 gene. It is expected to result in an absent or disrupted protein product. Loss-of-function variants in MSH6 are known to be pathogenic (PMID: 18269114, 24362816). For these reasons, this variant has been classified as Pathogenic. ClinVar contains an entry for this variant (Variation ID: 1072643). This variant has not been reported in the literature in individuals affected with MSH6-related conditions. This variant is not present in population databases (gnomAD no frequency).

ARUP Laboratories, Molecular Genetics and Genomics, ARUP Laboratories
Classification: Pathogenic. Last evaluated: 2021-07-21. Review status: criteria provided, single submitter. Criteria: ARUP Molecular Germline Variant Investigation Process 2021. Collection method: clinical testing. Allele origin: germline.
Comment: The MSH6 c.1392delT; p.Ile464MetfsTer17 variant, to our knowledge, is not reported in the medical literature but is reported in ClinVar (Variation ID: 1072643). This variant is also absent from general population databases (Exome Variant Server, Genome Aggregation Database), indicating it is not a common polymorphism. The variant introduces a frameshift, and is predicted to result in a truncated protein or an absent transcript. Additionally, other frameshifts in MSH6 have been described in affected individuals and are considered pathogenic (Goldberg 2008, Hansen 2014, Nilbert 2009, Susswein 2016). Based on available information, this variant is considered to be pathogenic. References: Goldberg Y et al. Mutation spectrum in HNPCC in the Israeli population. Fam Cancer. 2008. 7(4):309-17. Hansen MF et al. A massive parallel sequencing workflow for diagnostic genetic testing of mismatch repair genes. Mol Genet Genomic Med. 2014. Mar;2(2):186-200. Nilbert M et al. Major contribution from recurrent alterations and MSH6 mutations in the Danish Lynch syndrome population. Fam Cancer. 2009. 8(1):75-83. Susswein L et al. Pathogenic and likely pathogenic variant prevalence among the first 10,000 patients referred for next-generation cancer panel testing. Genet Med. 2016. 18(8):823-32.

PreventionGenetics, part of Exact Sciences
Classification: Likely pathogenic for MSH6-related condition. Last evaluated: 2024-04-05. Review status: no assertion criteria provided. Collection method: clinical testing. Allele origin: germline. Not counted in ClinVar's aggregate classification.
Comment: The MSH6 c.1392delT variant is predicted to result in a frameshift and premature protein termination (p.Ile464Metfs*17). To our knowledge, this variant has not been reported in the literature or in a large population database, indicating this variant is rare. This variant has interpretations of likely pathogenic and pathogenic listed in ClinVar. Frameshift variants in MSH6 are expected to be pathogenic. This variant is interpreted as likely pathogenic.

Literature cited by the submitters: PubMed 18269114 (cited by Labcorp Genetics (formerly Invitae), Labcorp); PubMed 24362816 (cited by Labcorp Genetics (formerly Invitae), Labcorp).

NM_000179.3(MSH6):c.1392del (p.Ile464fs)

Gene: MSH6 (mutS homolog 6; plus strand). Cytogenetic location: 2p16.3.
Variant type: Deletion.
Coding change: c.1392del on transcript NM_000179.3 (MANE Select); coding-DNA position 1392, one base deleted (T; older notation c.1392delT).
Protein change: p.Ile464fs; shifts the reading frame from isoleucine 464.
Molecular consequence: frameshift variant.
Genome position (GRCh38, 1-based): chr2:47,799,375, T deleted; the last of 2 consecutive T bases (chr2:47,799,374-47,799,375); deleting either gives the same sequence. VCF-style (leftmost placement, unchanged base first): chr2-47799373-AT-A. GRCh37 (hg19) VCF-style: chr2-48026512-AT-A.
Other names: c.1002del, p.Ile334fs (NM_001281492.2); c.486del, p.Ile162fs (NM_001281493.2, NM_001281494.2); c.1392del (NM_000179.2); c.1392delT (NM_000179.2); short protein forms I162fs, I334fs, I464fs.
Identifiers: ClinVar variation 1072643 (VCV001072643.18), dbSNP rs2104340974, ClinGen allele CA2499216100.